The following is an entry in ClinVar:

ClinVar aggregate classification (germline): Uncertain significance. Review status: criteria provided, multiple submitters, no conflicts (2 of 4 stars). 3 submissions from 3 submitters: Uncertain significance (3). Last evaluated 2025-12-01.

Conditions:
Cardiovascular phenotype. Identifiers: MedGen CN230736.
Cardiac arrhythmia. Also called: Cardiac rhythm disease; Arrhythmia. Identifiers: MedGen C0003811, MONDO:0007263, HP:0011675.
Long QT syndrome (LQTS). Identifiers: MedGen C0023976, MeSH D008133, MONDO:0002442. Disease mechanism: loss of function. Inheritance: Various modes of inheritance.

Allele frequency attached by ClinVar (database versions not stated): gnomAD exomes below 0.00001 and 0.00001; gnomAD 0.00001.

Submissions (3):

Labcorp Genetics (formerly Invitae), Labcorp
Classification: Uncertain significance for Long QT syndrome. Last evaluated: 2025-12-01. Review status: criteria provided, single submitter. Criteria: Invitae Variant Classification Sherloc (09022015). Collection method: clinical testing. Allele origin: germline.
Comment: This sequence change replaces proline, which is neutral and non-polar, with leucine, which is neutral and non-polar, at codon 150 of the KCNH2 protein (p.Pro150Leu). This variant is present in population databases (no rsID available, gnomAD 0.0009%). This variant has not been reported in the literature in individuals affected with KCNH2-related conditions. ClinVar contains an entry for this variant (Variation ID: 1171810). An algorithm developed to predict the effect of missense changes on protein structure and function (PolyPhen-2) suggests that this variant is likely to be tolerated. In summary, the available evidence is currently insufficient to determine the role of this variant in disease. Therefore, it has been classified as a Variant of Uncertain Significance.

Color Diagnostics, LLC DBA Color Health
Classification: Uncertain significance for Cardiac arrhythmia. Last evaluated: 2020-12-15. Review status: criteria provided, single submitter. Criteria: ACMG Guidelines, 2015. Collection method: clinical testing. Allele origin: germline.
Comment: This missense variant replaces proline with leucine at codon 150 of the KCNH2 protein. Computational prediction suggests that this variant may not impact protein structure and function (internally defined REVEL score threshold <= 0.5, PMID: 27666373). To our knowledge, functional studies have not been reported for this variant. This variant has not been reported in individuals affected with cardiovascular disorders in the literature. This variant has been identified in 1/250738 chromosomes in the general population by the Genome Aggregation Database (gnomAD). The available evidence is insufficient to determine the role of this variant in disease conclusively. Therefore, this variant is classified as a Variant of Uncertain Significance.

Ambry Genetics
Classification: Uncertain significance for Cardiovascular phenotype. Last evaluated: 2019-11-25. Review status: criteria provided, single submitter. Criteria: Ambry Variant Classification Scheme 2023. Collection method: clinical testing. Allele origin: germline.
Comment: The p.P150L variant (also known as c.449C>T), located in coding exon 3 of the KCNH2 gene, results from a C to T substitution at nucleotide position 449. The proline at codon 150 is replaced by leucine, an amino acid with similar properties. This amino acid position is not well conserved in available vertebrate species. In addition, the in silico prediction for this alteration is inconclusive. Since supporting evidence is limited at this time, the clinical significance of this alteration remains unclear.

NM_000238.4(KCNH2):c.449C>T (p.Pro150Leu)

Gene: KCNH2 (potassium voltage-gated channel subfamily H member 2; minus strand). Cytogenetic location: 7q36.1.
Variant type: single nucleotide variant.
Coding change: c.449C>T on transcript NM_000238.4 (MANE Select); coding-DNA position 449, C replaced by T.
Protein change: p.Pro150Leu; replaces proline 150 with leucine.
Molecular consequence: missense variant.
Genome position (GRCh38, 1-based): chr7:150,959,595, G>A on the plus strand (C>T on the coding strand, the complement: KCNH2 is on the minus strand). VCF-style: chr7-150959595-G-A. GRCh37 (hg19) VCF-style: chr7-150656683-G-A.
Other names: c.161C>T, p.Pro54Leu (NM_001406753.1, NM_001406756.1); c.272C>T, p.Pro91Leu (NM_001406755.1); c.149C>T, p.Pro50Leu (NM_001406757.1); c.449C>T, p.Pro150Leu (NM_172056.3); short protein forms P150L, P91L, P50L, P54L.
Identifiers: ClinVar variation 1171810 (VCV001171810.10), dbSNP rs866485757, ClinGen allele CA169082097.
Genomic context (GRCh38, chr7:150,959,595, plus strand): 5'-CGAACCCCTGAGCCTGCCCTAAAGCAAGTACACTTACCTGGGGCCAGCCAGCTGGTGGGG[G>A]GGCCCCGGTGGTTGGTGTCATGAGCCGGGGACCCCACCATGTCCTTCTCCATCACCACCT-3'
Protein context (NP_000229.1, residues 140-160): SPAHDTNHRG[Pro150Leu]PTSWLAPGRA